The following is an entry in ClinVar:

NM_001282933.2(ZNF341):c.1897C>T (p.Arg633Cys)

Genes: ZNF341 (zinc finger protein 341; plus strand), ZNF341-AS1 (ZNF341 antisense RNA 1; minus strand). Cytogenetic location: 20q11.22.
Variant type: single nucleotide variant.
Coding change: c.1897C>T on transcript NM_001282933.2 (MANE Select); coding-DNA position 1897, C replaced by T.
Protein change: p.Arg633Cys; replaces arginine 633 with cysteine.
Molecular consequence: missense variant. On other transcripts: non-coding transcript variant (1).
Genome position (GRCh38, 1-based): chr20:33,788,907, C>T. VCF-style: chr20-33788907-C-T. GRCh37 (hg19) VCF-style: chr20-32376713-C-T.
Other names: c.1627C>T, p.Arg543Cys (NM_001282935.2); c.1876C>T, p.Arg626Cys (NM_032819.5); short protein forms R543C, R626C, R633C.
Identifiers: ClinVar variation 1423323 (VCV001423323.6), dbSNP rs770120965, ClinGen allele CA9819612.

ClinVar aggregate classification (germline): Uncertain significance (1 of 4 stars; one submission).

Allele frequency attached by ClinVar (database versions not stated): gnomAD exomes below 0.00001 and 0.00001; ExAC 0.00002.

Submission:

Labcorp Genetics (formerly Invitae), Labcorp
Classification: Uncertain significance. Last evaluated: 2023-12-11. Review status: criteria provided, single submitter. Criteria: Invitae Variant Classification Sherloc (09022015). Collection method: clinical testing. Allele origin: germline.
Comment: This sequence change replaces arginine, which is basic and polar, with cysteine, which is neutral and slightly polar, at codon 626 of the ZNF341 protein (p.Arg626Cys). This variant is present in population databases (rs770120965, gnomAD 0.003%). This variant has not been reported in the literature in individuals affected with ZNF341-related conditions. ClinVar contains an entry for this variant (Variation ID: 1423323). An algorithm developed to predict the effect of missense changes on protein structure and function (PolyPhen-2) suggests that this variant is likely to be disruptive. In summary, the available evidence is currently insufficient to determine the role of this variant in disease. Therefore, it has been classified as a Variant of Uncertain Significance.